The following is an entry in ClinVar:

ClinVar aggregate classification (germline): Uncertain significance. Review status: criteria provided, multiple submitters, no conflicts (2 of 4 stars). 2 submissions from 2 submitters: Uncertain significance (2). Last evaluated 2023-10-12.

Conditions:
Hereditary cancer-predisposing syndrome. Also called: Hereditary neoplastic syndrome; Neoplastic Syndromes, Hereditary; Hereditary Cancer Syndrome; Tumor predisposition. Identifiers: Orphanet 140162, MedGen C0027672, MeSH D009386, MONDO:0015356.
Hereditary nonpolyposis colorectal neoplasms. Identifiers: MedGen C0009405, MeSH D003123.

Allele frequency attached by ClinVar (database versions not stated): gnomAD exomes below 0.00001.
gnomAD v4.1: 1 of 1,613,988 alleles (0.000062%); highest among the groups gnomAD compares: Non-Finnish European, 0.000085%; no homozygotes.

Submissions (2):

Ambry Genetics
Classification: Uncertain significance for Hereditary cancer-predisposing syndrome. Last evaluated: 2023-10-12. Review status: criteria provided, single submitter. Criteria: Ambry Variant Classification Scheme 2023. Collection method: clinical testing. Allele origin: germline.
Comment: The p.F290L variant (also known as c.870C>G), located in coding exon 8 of the PMS2 gene, results from a C to G substitution at nucleotide position 870. The phenylalanine at codon 290 is replaced by leucine, an amino acid with highly similar properties. This amino acid position is conserved. In addition, the in silico prediction for this alteration is inconclusive. Since supporting evidence is limited at this time, the clinical significance of this alteration remains unclear.

Labcorp Genetics (formerly Invitae), Labcorp
Classification: Uncertain significance for Hereditary nonpolyposis colorectal neoplasms. Last evaluated: 2022-10-01. Review status: criteria provided, single submitter. Criteria: Invitae Variant Classification Sherloc (09022015). Collection method: clinical testing. Allele origin: germline.
Comment: In summary, the available evidence is currently insufficient to determine the role of this variant in disease. Therefore, it has been classified as a Variant of Uncertain Significance. Advanced modeling of protein sequence and biophysical properties (such as structural, functional, and spatial information, amino acid conservation, physicochemical variation, residue mobility, and thermodynamic stability) performed at Invitae indicates that this missense variant is not expected to disrupt PMS2 protein function. This variant has not been reported in the literature in individuals affected with PMS2-related conditions. This variant is not present in population databases (gnomAD no frequency). This sequence change replaces phenylalanine, which is neutral and non-polar, with leucine, which is neutral and non-polar, at codon 290 of the PMS2 protein (p.Phe290Leu).

NM_000535.7(PMS2):c.870C>G (p.Phe290Leu)

Gene: PMS2 (PMS1 homolog 2, mismatch repair system component; minus strand). Cytogenetic location: 7p22.1.
Variant type: single nucleotide variant.
Coding change: c.870C>G on transcript NM_000535.7 (MANE Select); coding-DNA position 870, C replaced by G.
Protein change: p.Phe290Leu; replaces phenylalanine 290 with leucine.
Molecular consequence: missense variant. On other transcripts: 5 prime UTR variant (2), non-coding transcript variant (1).
Genome position (GRCh38, 1-based): chr7:5,995,567, G>C on the plus strand (C>G on the coding strand, the complement: PMS2 is on the minus strand). VCF-style: chr7-5995567-G-C. GRCh37 (hg19) VCF-style: chr7-6035198-G-C.
Other names: c.561C>G, p.Phe187Leu (NM_001322015.2, NM_001406875.1, NM_001406877.1 and 6 more transcripts); c.1056C>G, p.Phe352Leu (NM_001406866.1); c.465C>G, p.Phe155Leu (NM_001018040.1, NM_001322003.2, NM_001322004.2 and 20 more transcripts); c.894C>G, p.Phe298Leu (NM_001406868.1); c.762C>G, p.Phe254Leu (NM_001406869.1); c.870C>G, p.Phe290Leu (NM_001406870.1, NM_001322014.2, NM_001406871.1 and 2 more transcripts); c.702C>G, p.Phe234Leu (NM_001406874.1, NM_001406884.1); c.552C>G, p.Phe184Leu (NM_001322008.2, NM_001322007.2, NM_001406876.1 and 4 more transcripts); and 4 more; short protein forms F119L, F155L, F178L, F184L, F187L, F234L, F254L, F290L.
Identifiers: ClinVar variation 1720747 (VCV001720747.6), dbSNP rs2536145475, ClinGen allele CA366743457.